The following is an entry in ClinVar:

NC_000010.10:g.(?_104465083)_(104465266_?)del

Gene: ARL3 (ARF like GTPase 3; minus strand). Cytogenetic location: 10q24.32.
Variant type: Deletion.
Identifiers: ClinVar variation 3244967 (VCV003244967.1).

ClinVar aggregate classification (germline): Uncertain significance (1 of 4 stars; one submission).

Submission:

Labcorp Genetics (formerly Invitae), Labcorp
Classification: Uncertain significance. Last evaluated: 2022-11-12. Review status: criteria provided, single submitter. Criteria: Invitae Variant Classification Sherloc (09022015). Collection method: clinical testing. Allele origin: unknown.
Comment: In summary, the available evidence is currently insufficient to determine the role of this variant in disease. Therefore, it has been classified as a Variant of Uncertain Significance. Experimental studies and prediction algorithms are not available or were not evaluated, and the functional significance of this variant is currently unknown. This variant has not been reported in the literature in individuals affected with ARL3-related conditions. This variant is a gross deletion of the genomic region encompassing exon(s) 2 of the ARL3 gene. This variant would be expected to be in-frame, preserving the integrity of the reading frame.